The following is an entry in ClinVar:

NM_000875.5(IGF1R):c.*6580C>T

Gene: IGF1R (insulin like growth factor 1 receptor; plus strand). Cytogenetic location: 15q26.3.
Variant type: single nucleotide variant.
Coding change: c.*6580C>T on transcript NM_000875.5 (MANE Select); 6580 bases downstream of the stop codon, C replaced by T.
Molecular consequence: 3 prime UTR variant.
Genome position (GRCh38, 1-based): chr15:98,964,022, C>T. VCF-style: chr15-98964022-C-T. GRCh37 (hg19) VCF-style: chr15-99507251-C-T.
Other names: c.*6580C>T (NM_001291858.2).
Identifiers: ClinVar variation 317643 (VCV000317643.5), dbSNP rs78536914, ClinGen allele CA10642808.

ClinVar aggregate classification (germline): Likely benign (1 of 4 stars; one submission).

Conditions:
Growth delay due to insulin-like growth factor I resistance. Also called: Somatomedin end-organ insensitivity to; Somatomedin-c resistance to; IGF-1 resistance; IGF-I RESISTANCE; Insulin-Like Growth Factor I Resistance. Identifiers: Orphanet 73273, MedGen C1849157, MONDO:0010038, OMIM 270450.

Allele frequency attached by ClinVar (database versions not stated): gnomAD exomes 0.00311; 1000 Genomes Project 0.01338; gnomAD 0.01424 and 0.01529; 1000 Genomes Project 30x 0.01530; TOPMed 0.01554.
gnomAD v4.1: 2,423 of 232,996 alleles (1%); highest among the groups gnomAD compares: African/African-American, 4.9%; 53 homozygotes.

Submission:

Illumina Laboratory Services, Illumina
Classification: Likely benign for Growth delay due to insulin-like growth factor I resistance. Last evaluated: 2017-04-27. Review status: criteria provided, single submitter. Criteria: ICSL Variant Classification Criteria 13 December 2019. Collection method: clinical testing. Allele origin: germline.
Comment: This variant was observed as part of a predisposition screen in an ostensibly healthy population. A literature search was performed for the gene, cDNA change, and amino acid change (where applicable). No publications were found based on this search. Allele frequency data from public databases allowed determination this variant is unlikely to cause disease. Therefore, this variant is classified as likely benign.